The following is an entry in ClinVar:

ClinVar aggregate classification (germline): Uncertain significance (1 of 4 stars; one submission).

Submission:

Labcorp Genetics (formerly Invitae), Labcorp
Classification: Uncertain significance. Last evaluated: 2022-03-23. Review status: criteria provided, single submitter. Criteria: Invitae Variant Classification Sherloc (09022015). Collection method: clinical testing. Allele origin: germline.
Comment: This sequence change replaces aspartic acid, which is acidic and polar, with glutamic acid, which is acidic and polar, at codon 96 of the DLL1 protein (p.Asp96Glu). This variant is not present in population databases (gnomAD no frequency). This variant has not been reported in the literature in individuals affected with DLL1-related conditions. Algorithms developed to predict the effect of missense changes on protein structure and function output the following: SIFT: "Tolerated"; PolyPhen-2: "Benign"; Align-GVGD: "Class C0". The glutamic acid amino acid residue is found in multiple mammalian species, which suggests that this missense change does not adversely affect protein function. In summary, the available evidence is currently insufficient to determine the role of this variant in disease. Therefore, it has been classified as a Variant of Uncertain Significance.

NM_005618.4(DLL1):c.288C>G (p.Asp96Glu)

Gene: DLL1 (delta like canonical Notch ligand 1; minus strand). Cytogenetic location: 6q27.
Variant type: single nucleotide variant.
Coding change: c.288C>G on transcript NM_005618.4 (MANE Select); coding-DNA position 288, C replaced by G.
Protein change: p.Asp96Glu; replaces aspartic acid 96 with glutamic acid.
Molecular consequence: missense variant.
Genome position (GRCh38, 1-based): chr6:170,289,575, G>C on the plus strand (C>G on the coding strand, the complement: DLL1 is on the minus strand). VCF-style: chr6-170289575-G-C. GRCh37 (hg19) VCF-style: chr6-170598663-G-C.
Other names: short protein forms D96E.
Identifiers: ClinVar variation 2163201 (VCV002163201.4), dbSNP rs917303297, ClinGen allele CA366509927.
Genomic context (GRCh38, chr6:170,289,575, plus strand): 5'-CCAGGTGAAGCCGAAGGGGAAGCGGATGGGGTTGCTGAACGCGGAGTCGGCGCCCCCGCC[G>C]TCGGGCAGACTGAAGGAGTCGACGCCCAGCACGGGGGTGACGGCGCTGCCGTAGGTGCAG-3'
Protein context (NP_005609.3, residues 86-106): VLGVDSFSLP[Asp96Glu]GGGADSAFSN